The following is an entry in ClinVar:

ClinVar aggregate classification (germline): Conflicting classifications of pathogenicity. Review status: criteria provided, conflicting classifications (1 of 4 stars). 4 submissions from 4 submitters: Uncertain significance (2); Likely benign (1). 1 of the submissions does not count toward it. Last evaluated 2025-12-20.

Conditions:
Epidermolysis bullosa dystrophica. Also called: Dystrophic epidermolysis bullosa, Hallopeau-Siemens type (formerly); Dystrophic epidermolysis bullosa. Identifiers: Orphanet 303, MedGen C0079294, MONDO:0006543.
Transient bullous dermolysis of the newborn (TBDN). Also called: DYSTROPHIC EPIDERMOLYSIS BULLOSA, NEONATAL; EPIDERMOLYSIS BULLOSA DYSTROPHICA, NEONATAL FORM. Identifiers: Orphanet 79411, MedGen C1851573, MONDO:0007548, OMIM 131705.
Nonsyndromic congenital nail disorder 8. Also called: TOENAIL DYSTROPHY, ISOLATED. Identifiers: MedGen C1843761, MONDO:0011852, OMIM 607523.
Generalized dominant dystrophic epidermolysis bullosa (DDEB). Also called: Dominant DEB (DDEB); DDEB, generalized; DDEB-gen; DYSTROPHIC EPIDERMOLYSIS BULLOSA, AUTOSOMAL DOMINANT; Epidermolysis bullosa dystrophica, autosomal dominant. Identifiers: Orphanet 231568, MedGen C0432322, MONDO:0007549, OMIM 131750.
Recessive dystrophic epidermolysis bullosa (RDEB). Also called: Recessive DEB (RDEB); DYSTROPHIC EPIDERMOLYSIS BULLOSA, AUTOSOMAL RECESSIVE; EPIDERMOLYSIS BULLOSA DYSTROPHICA, HALLOPEAU-SIEMENS TYPE; EPIDERMOLYSIS BULLOSA DYSTROPHICA, GENERALIZED SEVERE, AUTOSOMAL RECESSIVE; Hallopeau-Siemens Disease; Epidermolysis Bullosa Distrophica Autosomal Recessive (RDEB). Identifiers: Orphanet 79408, Orphanet 79409, MedGen C0079474, MONDO:0009179, OMIM 226600.
Pretibial dystrophic epidermolysis bullosa. Also called: EPIDERMOLYSIS BULLOSA DYSTROPHICA, PRETIBIAL; Pretibial epidermolysis bullosa; Pretibial blistering. Identifiers: Orphanet 79410, MedGen C0432321, MONDO:0007552, OMIM 131850, HP:0012221.
Dominant dystrophic epidermolysis bullosa with absence of skin. Also called: EPIDERMOLYSIS BULLOSA WITH CONGENITAL LOCALIZED ABSENCE OF SKIN AND DEFORMITY OF NAILS; EPIDERMOLYSIS BULLOSA DYSTROPHICA, BART TYPE. Identifiers: MedGen C0268371, MONDO:0007557, OMIM 132000.
Epidermolysis bullosa pruriginosa. Also called: DEB, PRURIGINOSA; DYSTROPHIC EPIDERMOLYSIS BULLOSA PRURIGINOSA. Identifiers: Orphanet 89843, MedGen C1275114, MONDO:0011398, OMIM 604129.

Allele frequency attached by ClinVar (database versions not stated): TOPMed 0.00001; ExAC 0.00021.

Submissions (4):

Labcorp Genetics (formerly Invitae), Labcorp
Classification: Likely benign. Last evaluated: 2025-12-20. Review status: criteria provided, single submitter. Criteria: Invitae Variant Classification Sherloc (09022015). Collection method: clinical testing. Allele origin: germline.

Fulgent Genetics
Classification: Uncertain significance for Transient bullous dermolysis of the newborn; Generalized dominant dystrophic epidermolysis bullosa; Pretibial dystrophic epidermolysis bullosa; Dominant dystrophic epidermolysis bullosa with absence of skin; Recessive dystrophic epidermolysis bullosa; Epidermolysis bullosa pruriginosa; Nonsyndromic congenital nail disorder 8. Last evaluated: 2024-03-20. Review status: criteria provided, single submitter. Criteria: ACMG Guidelines, 2015. Collection method: clinical testing. Allele origin: germline.

Illumina Laboratory Services, Illumina
Classification: Uncertain significance for Dystrophic epidermolysis bullosa. Last evaluated: 2018-01-12. Review status: criteria provided, single submitter. Criteria: ICSL Variant Classification Criteria 13 December 2019. Collection method: clinical testing. Allele origin: germline.

Department of Pathology and Laboratory Medicine, Sinai Health System
Classification: Uncertain significance. Review status: no assertion criteria provided. Collection method: clinical testing. Allele origin: unknown. Affected: yes. Study: The Canadian Open Genetics Repository (COGR). Not counted in ClinVar's aggregate classification.
Comment: The COL7A1 p.E242K variant was not identified in the literature but was identified in dbSNP (ID: rs549872555) and ClinVar (classified as uncertain significance by Illumina). The variant was identified in control databases in 48 of 249272 chromosomes at a frequency of 0.0001926, and was observed only in the South Asian population in 48 of 30572 chromosomes (freq: 0.001570) (Genome Aggregation Database March 6, 2019, v2.1.1). The p.E242 residue is conserved in mammals and computational analyses (MUT Assesor, PolyPhen-2, SIFT, MutationTaster, Revel, FATHMM, MetaLR, DANN) provide inconsistent predictions regarding the impact to the protein; this information is not very predictive of pathogenicity. The variant occurs outside of the splicing consensus sequence and in silico or computational prediction software programs (Splice AI exome) do not predict a difference in splicing. In summary, based on the above information the clinical significance of this variant cannot be determined with certainty at this time. This variant is classified as a variant of uncertain significance.

NM_000094.4(COL7A1):c.724G>A (p.Glu242Lys)

Gene: COL7A1 (collagen type VII alpha 1 chain; minus strand). Cytogenetic location: 3p21.31.
Variant type: single nucleotide variant.
Coding change: c.724G>A on transcript NM_000094.4 (MANE Select); coding-DNA position 724, G replaced by A.
Protein change: p.Glu242Lys; replaces glutamic acid 242 with lysine.
Molecular consequence: missense variant.
Genome position (GRCh38, 1-based): chr3:48,592,897, C>T on the plus strand (G>A on the coding strand, the complement: COL7A1 is on the minus strand). VCF-style: chr3-48592897-C-T. GRCh37 (hg19) VCF-style: chr3-48630330-C-T.
Other names: short protein forms E242K.
Identifiers: ClinVar variation 345883 (VCV000345883.14), dbSNP rs549872555, ClinGen allele CA2381455.